The following is an entry in ClinVar:

GRCh38/hg38 11q23.3-25(chr11:120517597-135076122)x1

Genes: ACAD8 (acyl-CoA dehydrogenase family member 8; plus strand), ACRV1 (acrosomal vesicle protein 1; minus strand), ADAMTS15 (ADAM metallopeptidase with thrombospondin type 1 motif 15; plus strand), ADAMTS8 (ADAM metallopeptidase with thrombospondin type 1 motif 8; minus strand), APLP2 (amyloid beta precursor like protein 2; plus strand) and 501 more. Cytogenetic location: 11q23.3-25.
Variant type: copy number loss.
Change: copy number 1 (one copy instead of two) of chr11:120,517,597-135,076,122 (14.56 Mb, GRCh38 coordinates, 1-based), cytogenetic band 11q23.3-25.
Identifiers: ClinVar variation 4686716 (VCV004686716.1).

ClinVar aggregate classification (germline): Pathogenic (1 of 4 stars; one submission).

Submission:

The Central Laboratory of Birth Defects Prevention and Control, The Affiliated Women and Children's Hospital of Ningbo University
Classification: Pathogenic. Last evaluated: 2025-11-28. Review status: criteria provided, single submitter. Criteria: ACMG/ClinGen CNV Guidelines, 2019. Collection method: clinical testing. Allele origin: de novo. Affected: yes. Clinical features observed: Renal duplication, Ventricular septal defect, Polyhydramnios, Intrauterine growth retardation.
Comment: The deletion region encompasses over 35 known OMIM genes encoding proteins, such as CHEK1 (OMIM 603078), ESAM (OMIM 614281), ACAD8 (OMIM 604773). There are no known haploinsufficiency-sensitive genes in this region and the haploinsufficiency of this variant is unknown. In addition, there are no similar deletions reported in the general population in DGV database. Over 10 cases is similar to this region in the ClinGen database, which were evaluated pathogenic by the uploaders. Over 10 deletions similar to this variant have been reported in the Decipher database, with the primary clinical manifestations of the reported patients including ventricular septal defect, small for gestational age, facial abnormalities, renal dysplasia, intellectual disability, and others. In summary, this variant meets criteria to be classified as pathogenic. The ACMG/ClinGen evidence codes and points used in this curation are as follows: 3C: 0.9 points, 4C: 0.7 points; Total: 1.6 points (PMID: 31690835).